The following is an entry in ClinVar:

ClinVar aggregate classification (germline): Uncertain significance. Review status: criteria provided, multiple submitters, no conflicts (2 of 4 stars). 3 submissions from 3 submitters: Uncertain significance (2). 1 of the submissions does not count toward it. Last evaluated 2025-05-09.

Conditions:
Usher syndrome type 3. Also called: Usher Syndrome, Type III. Identifiers: Orphanet 231183, MedGen C1568248, MONDO:0016485.

Allele frequency attached by ClinVar (database versions not stated): gnomAD 0.00002.

Submissions (3):

Women's Health and Genetics/Laboratory Corporation of America, LabCorp
Classification: Uncertain significance. Last evaluated: 2025-05-09. Review status: criteria provided, single submitter. Criteria: LabCorp Variant Classification Summary - May 2015. Collection method: clinical testing. Allele origin: germline.
Comment: Variant summary: CLRN1 c.359T>C (p.Met120Thr) results in a non-conservative amino acid change in the encoded protein sequence. Algorithms developed to predict the effect of missense changes on protein structure and function are either unavailable or do not agree on the potential impact of this missense change. The variant allele was found at a frequency of 8e-06 in 251344 control chromosomes. The available data on variant occurrences in the general population are insufficient to allow any conclusion about variant significance. To our knowledge, no occurrence of c.359T>C in individuals affected with Usher Syndrome and no experimental evidence demonstrating its impact on protein function have been reported. A different variant affecting the same codon has been classified as likely pathogenic (c.359T>A (p.Met120Lys)), supporting the critical relevance of codon 120 to CLRN1 protein function. ClinVar contains an entry for this variant (Variation ID: 1969574). Based on the evidence outlined above, the variant was classified as uncertain significance.

Labcorp Genetics (formerly Invitae), Labcorp
Classification: Uncertain significance. Last evaluated: 2025-05-05. Review status: criteria provided, single submitter. Criteria: Invitae Variant Classification Sherloc (09022015). Collection method: clinical testing. Allele origin: germline.
Comment: This sequence change replaces methionine, which is neutral and non-polar, with threonine, which is neutral and polar, at codon 120 of the CLRN1 protein (p.Met120Thr). This variant is present in population databases (rs121908141, gnomAD 0.006%). This variant has not been reported in the literature in individuals affected with CLRN1-related conditions. ClinVar contains an entry for this variant (Variation ID: 1969574). An algorithm developed to predict the effect of missense changes on protein structure and function (PolyPhen-2) suggests that this variant is likely to be disruptive. This variant disrupts the p.Met120 amino acid residue in CLRN1. Other variant(s) that disrupt this residue have been determined to be pathogenic (PMID: 11524702, 19753315). This suggests that this residue is clinically significant, and that variants that disrupt this residue are likely to be disease-causing. In summary, the available evidence is currently insufficient to determine the role of this variant in disease. Therefore, it has been classified as a Variant of Uncertain Significance.

Natera, Inc.
Classification: Uncertain significance for Usher syndrome type 3. Last evaluated: 2025-05-29. Review status: no assertion criteria provided. Collection method: clinical testing. Allele origin: germline. Not counted in ClinVar's aggregate classification.

Literature cited by the submitters: PubMed 11524702 (cited by Labcorp Genetics (formerly Invitae), Labcorp); PubMed 19753315 (cited by Labcorp Genetics (formerly Invitae), Labcorp).

NM_174878.3(CLRN1):c.359T>C (p.Met120Thr)

Gene: CLRN1 (clarin 1; minus strand). Cytogenetic location: 3q25.1.
Variant type: single nucleotide variant.
Coding change: c.359T>C on transcript NM_174878.3 (MANE Select); coding-DNA position 359, T replaced by C.
Protein change: p.Met120Thr; replaces methionine 120 with threonine.
Molecular consequence: missense variant. On other transcripts: synonymous variant (1), non-coding transcript variant (1).
Genome position (GRCh38, 1-based): chr3:150,941,656, A>G on the plus strand (T>C on the coding strand, the complement: CLRN1 is on the minus strand). VCF-style: chr3-150941656-A-G. GRCh37 (hg19) VCF-style: chr3-150659443-A-G.
Other names: c.359T>C (NM_174878.2); c.359T>C, p.Met120Thr (NM_001195794.1); c.531T>C, p.His177= (NM_001256819.2); c.131T>C, p.Met44Thr (NM_052995.2); short protein forms M120T, M44T.
Identifiers: ClinVar variation 1969574 (VCV001969574.5), dbSNP rs121908141, ClinGen allele CA2666080.
Genomic context (GRCh38, chr3:150,941,656, plus strand): 5'-AAAAGGTACAGCCCTAGGGGACCATGCAGAGTTTCAAAAGGTTTTCCAAAAGCATTGTAC[A>G]TGAAGAAGGCTGTCCCCACCATGGTTAACACAATAAGGATGGCAGAGAAGAGAATGACAT-3'
Protein context (NP_777367.1, residues 110-130): VLTMVGTAFF[Met120Thr]YNAFGKPFET